The following is an entry in ClinVar:

NM_001395656.1(ROBO2):c.3565T>G (p.Trp1189Gly)

Gene: ROBO2 (roundabout guidance receptor 2; plus strand). Cytogenetic location: 3p12.3.
Variant type: single nucleotide variant.
Coding change: c.3565T>G on transcript NM_001395656.1 (MANE Select); coding-DNA position 3565, T replaced by G.
Protein change: p.Trp1189Gly; replaces tryptophan 1189 with glycine.
Molecular consequence: missense variant.
Genome position (GRCh38, 1-based): chr3:77,617,772, T>G. VCF-style: chr3-77617772-T-G. GRCh37 (hg19) VCF-style: chr3-77666923-T-G.
Other names: c.3601T>G, p.Trp1201Gly (NM_001128929.3); c.3565T>G, p.Trp1189Gly (NM_001290039.2, NM_001290040.2); c.1774T>G, p.Trp592Gly (NM_001290065.2); c.3613T>G, p.Trp1205Gly (NM_001378190.1, NM_001378200.1, NM_001378201.1 and 1 more transcripts); c.3739T>G, p.Trp1247Gly (NM_001378191.1, NM_001378195.1, NM_001378196.1); c.3634T>G, p.Trp1212Gly (NM_001378192.1, NM_001378198.1, NM_001378199.1); c.3553T>G, p.Trp1185Gly (NM_001378193.1, NM_002942.5); c.3751T>G, p.Trp1251Gly (NM_001378194.1); and 5 more; short protein forms W1186G, W1205G, W1251G, W592G, W1201G, W1212G, W1227G, W1247G.
Identifiers: ClinVar variation 903408 (VCV000903408.8), dbSNP rs766273161, ClinGen allele CA2497672.

ClinVar aggregate classification (germline): Conflicting classifications of pathogenicity. Review status: criteria provided, conflicting classifications (1 of 4 stars). 3 submissions from 3 submitters: Uncertain significance (2); Likely benign (1). Last evaluated 2025-06-18.

Conditions:
Vesicoureteral reflux 2 (VUR2). Identifiers: Orphanet 289365, MedGen C1970483, MONDO:0012573, OMIM 610878.
Inborn genetic diseases. Identifiers: MedGen C0950123, MeSH D030342.

Allele frequency attached by ClinVar (database versions not stated): ExAC 0.00004; gnomAD exomes 0.00004; gnomAD 0.00007 and 0.00060; TOPMed 0.00080.
gnomAD v4.1: 168 of 1,611,558 alleles (0.01%); highest among the groups gnomAD compares: Non-Finnish European, 0.0077%; 1 homozygote.

Submissions (3):

Ambry Genetics
Classification: Uncertain significance for Inborn genetic diseases. Last evaluated: 2025-06-18. Review status: criteria provided, single submitter. Criteria: Ambry Variant Classification Scheme 2023. Collection method: clinical testing. Allele origin: germline.

Labcorp Genetics (formerly Invitae), Labcorp
Classification: Uncertain significance. Last evaluated: 2024-09-13. Review status: criteria provided, single submitter. Criteria: Invitae Variant Classification Sherloc (09022015). Collection method: clinical testing. Allele origin: germline.
Comment: This sequence change replaces tryptophan, which is neutral and slightly polar, with glycine, which is neutral and non-polar, at codon 1185 of the ROBO2 protein (p.Trp1185Gly). This variant is present in population databases (rs766273161, gnomAD 0.009%). This variant has not been reported in the literature in individuals affected with ROBO2-related conditions. ClinVar contains an entry for this variant (Variation ID: 903408). An algorithm developed to predict the effect of missense changes on protein structure and function (PolyPhen-2) suggests that this variant is likely to be tolerated. In summary, the available evidence is currently insufficient to determine the role of this variant in disease. Therefore, it has been classified as a Variant of Uncertain Significance.

Illumina Laboratory Services, Illumina
Classification: Likely benign for Vesicoureteral reflux 2. Last evaluated: 2018-01-13. Review status: criteria provided, single submitter. Criteria: ICSL Variant Classification Criteria 13 December 2019. Collection method: clinical testing. Allele origin: germline.
Comment: This variant was observed in the ICSL laboratory as part of a predisposition screen in an ostensibly healthy population. It had not been previously curated by ICSL or reported in the Human Gene Mutation Database (HGMD: prior to June 1st, 2018), and was therefore a candidate for classification through an automated scoring system. Utilizing variant allele frequency, disease prevalence and penetrance estimates, and inheritance mode, an automated score was calculated to assess if this variant is too frequent to cause the disease. Based on the score and internal cut-off values, a variant classified as likely benign is not then subjected to further curation. The score for this variant resulted in a classification of likely benign for this disease.